The following is an entry in ClinVar:

ClinVar aggregate classification (germline): Uncertain significance (1 of 4 stars; one submission).

Conditions:
Inborn genetic diseases. Identifiers: MedGen C0950123, MeSH D030342.

Submission:

Ambry Genetics
Classification: Uncertain significance for Inborn genetic diseases. Last evaluated: 2024-12-25. Review status: criteria provided, single submitter. Criteria: Ambry Variant Classification Scheme 2023. Collection method: clinical testing. Allele origin: germline.
Comment: The p.M43V variant (also known as c.127A>G), located in coding exon 2 of the ETV6 gene, results from an A to G substitution at nucleotide position 127. The methionine at codon 43 is replaced by valine, an amino acid with highly similar properties. This amino acid position is conserved. In addition, this alteration is predicted to be tolerated by in silico analysis. Based on the available evidence, the clinical significance of this variant remains unclear.

NM_001987.5(ETV6):c.127A>G (p.Met43Val)

Gene: ETV6 (ETS variant transcription factor 6; plus strand). Cytogenetic location: 12p13.2.
Variant type: single nucleotide variant.
Coding change: c.127A>G on transcript NM_001987.5 (MANE Select); coding-DNA position 127, A replaced by G.
Protein change: p.Met43Val; replaces methionine 43 with valine.
Molecular consequence: missense variant. On other transcripts: intron variant (1).
Genome position (GRCh38, 1-based): chr12:11,752,543, A>G. VCF-style: chr12-11752543-A-G. GRCh37 (hg19) VCF-style: chr12-11905477-A-G.
Other names: c.124A>G, p.Met42Val (NM_001413913.1); c.100A>G, p.Met34Val (NM_001413914.1); c.127A>G, p.Met43Val (NM_001413916.1, NM_001413917.1, NM_001413918.1); c.-101-86597A>G (NM_001413915.1); short protein forms M43V, M34V, M42V.
Identifiers: ClinVar variation 3846491 (VCV003846491.1).